The following is an entry in ClinVar:

ClinVar aggregate classification (germline): Uncertain significance. Review status: criteria provided, multiple submitters, no conflicts (2 of 4 stars). 2 submissions from 2 submitters: Uncertain significance (2). Last evaluated 2024-07-01.

Conditions:
Inborn genetic diseases. Identifiers: MedGen C0950123, MeSH D030342.

Allele frequency attached by ClinVar (database versions not stated): ExAC 0.00001; gnomAD 0.00001; gnomAD exomes 0.00001 and 0.00002; TOPMed 0.00001.
gnomAD v4.1: 23 of 1,613,474 alleles (0.0014%); highest among the groups gnomAD compares: Admixed American, 0.0067%; no homozygotes.

Submissions (2):

Labcorp Genetics (formerly Invitae), Labcorp
Classification: Uncertain significance. Last evaluated: 2024-07-01. Review status: criteria provided, single submitter. Criteria: Invitae Variant Classification Sherloc (09022015). Collection method: clinical testing. Allele origin: germline.
Comment: This sequence change replaces methionine, which is neutral and non-polar, with threonine, which is neutral and polar, at codon 754 of the TCIRG1 protein (p.Met754Thr). This variant is present in population databases (rs762940517, gnomAD 0.009%). This variant has not been reported in the literature in individuals affected with TCIRG1-related conditions. ClinVar contains an entry for this variant (Variation ID: 1401388). Advanced modeling of protein sequence and biophysical properties (such as structural, functional, and spatial information, amino acid conservation, physicochemical variation, residue mobility, and thermodynamic stability) performed at Invitae indicates that this missense variant is expected to disrupt TCIRG1 protein function with a positive predictive value of 80%. In summary, the available evidence is currently insufficient to determine the role of this variant in disease. Therefore, it has been classified as a Variant of Uncertain Significance.

Ambry Genetics
Classification: Uncertain significance for Inborn genetic diseases. Last evaluated: 2023-12-28. Review status: criteria provided, single submitter. Criteria: Ambry Variant Classification Scheme 2023. Collection method: clinical testing. Allele origin: germline.

NM_006019.4(TCIRG1):c.2261T>C (p.Met754Thr)

Gene: TCIRG1 (T cell immune regulator 1, ATPase H+ transporting V0 subunit a3; plus strand). Cytogenetic location: 11q13.2.
Variant type: single nucleotide variant.
Coding change: c.2261T>C on transcript NM_006019.4 (MANE Select); coding-DNA position 2261, T replaced by C.
Protein change: p.Met754Thr; replaces methionine 754 with threonine.
Molecular consequence: missense variant.
Genome position (GRCh38, 1-based): chr11:68,050,511, T>C. VCF-style: chr11-68050511-T-C. GRCh37 (hg19) VCF-style: chr11-67817978-T-C.
Other names: c.2261T>C (NM_006019.3); c.1367T>C, p.Met456Thr (NM_001351059.2); c.1613T>C, p.Met538Thr (NM_006053.4); short protein forms M456T, M538T, M754T.
Identifiers: ClinVar variation 1401388 (VCV001401388.7), dbSNP rs762940517, ClinGen allele CA6147471.